The following is an entry in ClinVar:

ClinVar aggregate classification (germline): Uncertain significance (1 of 4 stars; one submission).

Submission:

GeneDx
Classification: Uncertain significance. Last evaluated: 2016-10-13. Review status: criteria provided, single submitter. Criteria: GeneDx Variant Classification (06012015). Collection method: clinical testing. Allele origin: germline. Affected: yes.
Comment: The D472N variant in the C10orf2 gene has not been reported previously as a pathogenic variant, nor as a benign variant, to our knowledge. The D472N variant was not observed in approximately 6500 individuals of European and African American ancestry in the NHLBI Exome Sequencing Project, indicating it is not a common benign variant in these populations. The D472N variant is a semi-conservative amino acid substitution, which may impact secondary protein structure as these residues differ in some properties. This substitution occurs at a position where amino acids with similar properties to Aspartic Acid are tolerated across species. In silico analysis predicts this variant is probably damaging to the protein structure/function. We interpret D472N as a variant of uncertain significance.

NM_021830.5(TWNK):c.1414G>A (p.Asp472Asn)

Gene: TWNK (twinkle mtDNA helicase; plus strand). Cytogenetic location: 10q24.31.
Variant type: single nucleotide variant.
Coding change: c.1414G>A on transcript NM_021830.5 (MANE Select); coding-DNA position 1414, G replaced by A.
Protein change: p.Asp472Asn; replaces aspartic acid 472 with asparagine.
Molecular consequence: missense variant. On other transcripts: non-coding transcript variant (5).
Genome position (GRCh38, 1-based): chr10:100,989,814, G>A. VCF-style: chr10-100989814-G-A. GRCh37 (hg19) VCF-style: chr10-102749571-G-A.
Other names: c.1414G>A, p.Asp472Asn (NM_001163812.2); c.52G>A, p.Asp18Asn (NM_001163813.2, NM_001163814.2, NM_001368275.1); short protein forms D472N, D18N.
Identifiers: ClinVar variation 389870 (VCV000389870.2), dbSNP rs1057523561, ClinGen allele CA16605946.